The following is an entry in ClinVar:

ClinVar aggregate classification (germline): Uncertain significance (1 of 4 stars; one submission).

Conditions:
Cardiovascular phenotype. Identifiers: MedGen CN230736.

Submission:

Ambry Genetics
Classification: Uncertain significance for Cardiovascular phenotype. Last evaluated: 2022-08-17. Review status: criteria provided, single submitter. Criteria: Ambry Variant Classification Scheme 2023. Collection method: clinical testing. Allele origin: germline.
Comment: The p.A263P variant (also known as c.787G>C), located in coding exon 2 of the NKX2-5 gene, results from a G to C substitution at nucleotide position 787. The alanine at codon 263 is replaced by proline, an amino acid with highly similar properties. This amino acid position is conserved. In addition, the in silico prediction for this alteration is inconclusive. Since supporting evidence is limited at this time, the clinical significance of this alteration remains unclear.

NM_004387.4(NKX2-5):c.787G>C (p.Ala263Pro)

Gene: NKX2-5 (NK2 homeobox 5; minus strand). Cytogenetic location: 5q35.1.
Variant type: single nucleotide variant.
Coding change: c.787G>C on transcript NM_004387.4 (MANE Select); coding-DNA position 787, G replaced by C.
Protein change: p.Ala263Pro; replaces alanine 263 with proline.
Molecular consequence: missense variant. On other transcripts: 3 prime UTR variant (2).
Genome position (GRCh38, 1-based): chr5:173,232,757, C>G on the plus strand (G>C on the coding strand, the complement: NKX2-5 is on the minus strand). VCF-style: chr5-173232757-C-G. GRCh37 (hg19) VCF-style: chr5-172659760-C-G.
Other names: c.*740G>C (NM_001166175.2); c.*586G>C (NM_001166176.2); short protein forms A263P.
Identifiers: ClinVar variation 1761000 (VCV001761000.2), dbSNP rs2480071733, ClinGen allele CA362161169.